The following is an entry in ClinVar:

NM_000268.4(NF2):c.699G>T (p.Leu233=)

Gene: NF2 (NF2, moesin-ezrin-radixin like (MERLIN) tumor suppressor; plus strand). Cytogenetic location: 22q12.2.
Variant type: single nucleotide variant.
Coding change: c.699G>T on transcript NM_000268.4 (MANE Select); coding-DNA position 699, G replaced by T.
Protein change: p.Leu233=; no amino-acid change (leucine 233 retained).
Molecular consequence: synonymous variant. On other transcripts: non-coding transcript variant (1), intron variant (1).
Genome position (GRCh38, 1-based): chr22:29,661,228, G>T. VCF-style: chr22-29661228-G-T. GRCh37 (hg19) VCF-style: chr22-30057217-G-T.
Other names: c.699G>T, p.Leu233= (NM_016418.5, NM_181825.3, NM_181832.3); c.573G>T, p.Leu191= (NM_181828.3); c.576G>T, p.Leu192= (NM_181829.3); c.450G>T, p.Leu150= (NM_181830.3, NM_181831.3); c.447+18943G>T (NM_181833.3).
Identifiers: ClinVar variation 771102 (VCV000771102.19), dbSNP rs780003734, ClinGen allele CA034819.
Genomic context (GRCh38, chr22:29,661,228, plus strand): 5'-CTGGCGCTTACAGTAGCTGTTCTTATTGGATCCACAGAATAAAAAGGGCACAGAGCTGCT[G>T]CTTGGAGTGGATGCCCTGGGGCTTCACATTTATGACCCTGAGAACAGACTGACCCCCAAG-3'
Protein context (NP_000259.1, residues 223-243): AIRNKKGTEL[Leu233=]LGVDALGLHI

ClinVar aggregate classification (germline): Likely benign. Review status: criteria provided, multiple submitters, no conflicts (2 of 4 stars). 5 submissions from 5 submitters: Likely benign (5). Last evaluated 2026-01-01.

Conditions:
Hereditary cancer-predisposing syndrome. Also called: Hereditary Cancer Syndrome; Tumor predisposition; Hereditary neoplastic syndrome; Neoplastic Syndromes, Hereditary. Identifiers: Orphanet 140162, MedGen C0027672, MeSH D009386, MONDO:0015356.
Neurofibromatosis, type 2 (SWNV). Also called: NF2-Related Schwannomatosis; SCHWANNOMATOSIS, VESTIBULAR; BILATERAL ACOUSTIC NEUROFIBROMATOSIS. Identifiers: Orphanet 637, MedGen C0027832, MONDO:0007039, OMIM 101000. Disease mechanism: loss of function.

Allele frequency attached by ClinVar (database versions not stated): TOPMed 0.00002; ExAC 0.00002; gnomAD 0.00002; gnomAD exomes 0.00002.
gnomAD v4.1: 14 of 1,614,132 alleles (0.00087%); highest among the groups gnomAD compares: Admixed American, 0.005%; no homozygotes.

Submissions (5):

CeGaT Center for Human Genetics Tuebingen
Classification: Likely benign. Last evaluated: 2026-01-01. Review status: criteria provided, single submitter. Criteria: CeGaT Center For Human Genetics Tuebingen Variant Classification Criteria Version 2. Collection method: clinical testing. Allele origin: germline. Affected: yes. Observed: 1 variant allele.
Comment: NF2: BP4, BP7

Labcorp Genetics (formerly Invitae), Labcorp
Classification: Likely benign for Neurofibromatosis, type 2. Last evaluated: 2025-09-15. Review status: criteria provided, single submitter. Criteria: Invitae Variant Classification Sherloc (09022015). Collection method: clinical testing. Allele origin: germline.

ARUP Laboratories, Molecular Genetics and Genomics, ARUP Laboratories
Classification: Likely benign. Last evaluated: 2025-02-27. Review status: criteria provided, single submitter. Criteria: ARUP Molecular Germline Variant Investigation Process 2024. Collection method: clinical testing. Allele origin: germline.

Color Diagnostics, LLC DBA Color Health
Classification: Likely benign for Neurofibromatosis, type 2. Last evaluated: 2024-02-14. Review status: criteria provided, single submitter. Criteria: ACMG Guidelines, 2015. Collection method: clinical testing. Allele origin: germline.

Ambry Genetics
Classification: Likely benign for Hereditary cancer-predisposing syndrome. Last evaluated: 2020-06-18. Review status: criteria provided, single submitter. Criteria: Ambry Variant Classification Scheme 2023. Collection method: clinical testing. Allele origin: germline.